The following is an entry in ClinVar:

ClinVar aggregate classification (germline): Uncertain significance. Review status: criteria provided, multiple submitters, no conflicts (2 of 4 stars). 2 submissions from 2 submitters: Uncertain significance (2). Last evaluated 2024-09-19.

Conditions:
Autosomal recessive ataxia, Beauce type. Also called: ATAXIA, RECESSIVE, OF BEAUCE; Spinocerebellar ataxia, autosomal recessive 8; SYNE1-Related Autosomal Recessive Cerebellar Ataxia; SYNE1 Deficiency. Identifiers: Orphanet 88644, MedGen C1853116, MONDO:0012549, OMIM 610743.
Emery-Dreifuss muscular dystrophy 4, autosomal dominant (EDMD4). Also called: EMERY-DREIFUSS MUSCULAR DYSTROPHY 4 WITH VARIABLE FEATURES. Identifiers: Orphanet 261, MedGen C2751807, MONDO:0013071, OMIM 612998.

Allele frequency attached by ClinVar (database versions not stated): ExAC 0.00005; ESP Exome Variant Server 0.00008; gnomAD exomes 0.00012; TOPMed 0.00027.
gnomAD v4.1: 104 of 1,614,050 alleles (0.0064%); highest among the groups gnomAD compares: Admixed American, 0.12%; no homozygotes.

Submissions (2):

Revvity Omics, Revvity
Classification: Uncertain significance. Last evaluated: 2024-09-19. Review status: criteria provided, single submitter. Criteria: ACMG Guidelines, 2015. Collection method: clinical testing. Allele origin: germline.

Labcorp Genetics (formerly Invitae), Labcorp
Classification: Uncertain significance for Emery-Dreifuss muscular dystrophy 4, autosomal dominant; Autosomal recessive ataxia, Beauce type. Last evaluated: 2022-08-09. Review status: criteria provided, single submitter. Criteria: Invitae Variant Classification Sherloc (09022015). Collection method: clinical testing. Allele origin: germline.
Comment: This sequence change replaces tyrosine, which is neutral and polar, with cysteine, which is neutral and slightly polar, at codon 4472 of the SYNE1 protein (p.Tyr4472Cys). This variant is present in population databases (rs138770612, gnomAD 0.07%). This variant has not been reported in the literature in individuals affected with SYNE1-related conditions. ClinVar contains an entry for this variant (Variation ID: 1015211). Algorithms developed to predict the effect of missense changes on protein structure and function (SIFT, PolyPhen-2, Align-GVGD) all suggest that this variant is likely to be disruptive. In summary, the available evidence is currently insufficient to determine the role of this variant in disease. Therefore, it has been classified as a Variant of Uncertain Significance.

NM_182961.4(SYNE1):c.13628A>G (p.Tyr4543Cys)

Gene: SYNE1 (spectrin repeat containing nuclear envelope protein 1; minus strand). Cytogenetic location: 6q25.2.
Variant type: single nucleotide variant.
Coding change: c.13628A>G on transcript NM_182961.4 (MANE Select); coding-DNA position 13628, A replaced by G.
Protein change: p.Tyr4543Cys; replaces tyrosine 4543 with cysteine.
Molecular consequence: missense variant.
Genome position (GRCh38, 1-based): chr6:152,331,057, T>C on the plus strand (A>G on the coding strand, the complement: SYNE1 is on the minus strand). VCF-style: chr6-152331057-T-C. GRCh37 (hg19) VCF-style: chr6-152652192-T-C.
Other names: c.13415A>G, p.Tyr4472Cys (NM_033071.5); c.13415A>G (NM_033071.3); short protein forms Y4472C, Y4543C.
Identifiers: ClinVar variation 1015211 (VCV001015211.7), dbSNP rs138770612, ClinGen allele CA4056147.